The following is an entry in ClinVar:

ClinVar aggregate classification (germline): Pathogenic (1 of 4 stars; one submission).

Conditions:
Lamellar ichthyosis. Identifiers: Orphanet 313, MedGen C5848247, MONDO:0017778.

Submission:

Women's Health and Genetics/Laboratory Corporation of America, LabCorp
Classification: Pathogenic for Lamellar ichthyosis. Last evaluated: 2024-09-10. Review status: criteria provided, single submitter. Criteria: LabCorp Variant Classification Summary - May 2015. Collection method: clinical testing. Allele origin: germline.
Comment: Variant summary: ALOX12B c.324C>G (p.Tyr108X) results in a premature termination codon, predicted to cause a truncation of the encoded protein or absence of the protein due to nonsense mediated decay, which are commonly known mechanisms for disease. The variant was absent in 251372 control chromosomes. To our knowledge, no occurrence of c.324C>G in individuals affected with Lamellar Ichthyosis and no experimental evidence demonstrating its impact on protein function have been reported. No submitters have cited clinical-significance assessments for this variant to ClinVar. Based on the evidence outlined above, the variant was classified as pathogenic.

NM_001139.3(ALOX12B):c.324C>G (p.Tyr108Ter)

Gene: ALOX12B (arachidonate 12-lipoxygenase, 12R type; minus strand). Cytogenetic location: 17p13.1.
Variant type: single nucleotide variant.
Coding change: c.324C>G on transcript NM_001139.3 (MANE Select); coding-DNA position 324, C replaced by G.
Protein change: p.Tyr108Ter; replaces tyrosine 108 with a stop codon.
Molecular consequence: nonsense.
Genome position (GRCh38, 1-based): chr17:8,086,044, G>C on the plus strand (C>G on the coding strand, the complement: ALOX12B is on the minus strand). VCF-style: chr17-8086044-G-C. GRCh37 (hg19) VCF-style: chr17-7989362-G-C.
Other names: short protein forms Y108*.
Identifiers: ClinVar variation 3374962 (VCV003374962.1).